The following is an entry in ClinVar:

NM_014363.6(SACS):c.1004C>A (p.Ser335Ter)

Gene: SACS (sacsin molecular chaperone; minus strand). Cytogenetic location: 13q12.12.
Variant type: single nucleotide variant.
Coding change: c.1004C>A on transcript NM_014363.6 (MANE Select); coding-DNA position 1004, C replaced by A.
Protein change: p.Ser335Ter; replaces serine 335 with a stop codon.
Molecular consequence: nonsense.
Genome position (GRCh38, 1-based): chr13:23,355,608, G>T on the plus strand (C>A on the coding strand, the complement: SACS is on the minus strand). VCF-style: chr13-23355608-G-T. GRCh37 (hg19) VCF-style: chr13-23929747-G-T.
Other names: c.563C>A, p.Ser188Ter (NM_001278055.2); short protein forms S188*, S335*.
Identifiers: ClinVar variation 648026 (VCV000648026.6), dbSNP rs767435985, ClinGen allele CA387550546.

ClinVar aggregate classification (germline): Pathogenic (1 of 4 stars; one submission).

Conditions:
Spastic paraplegia. Identifiers: MedGen C0037772, HP:0001258.

Submission:

Labcorp Genetics (formerly Invitae), Labcorp
Classification: Pathogenic for Spastic paraplegia. Last evaluated: 2018-11-15. Review status: criteria provided, single submitter. Criteria: Invitae Variant Classification Sherloc (09022015). Collection method: clinical testing. Allele origin: germline.
Comment: This sequence change creates a premature translational stop signal (p.Ser335*) in the SACS gene. It is expected to result in an absent or disrupted protein product. This variant is not present in population databases (ExAC no frequency). This variant has not been reported in the literature in individuals with SACS-related disease. Loss-of-function variants in SACS are known to be pathogenic (PMID: 18465152, 20876471). For these reasons, this variant has been classified as Pathogenic.

Literature cited by the submitters: PubMed 18465152; PubMed 20876471.